The following is an entry in ClinVar:

ClinVar aggregate classification (germline): Conflicting classifications of pathogenicity. Review status: criteria provided, conflicting classifications (1 of 4 stars). 2 submissions from 2 submitters: Uncertain significance (1); Likely benign (1). Last evaluated 2025-03-30.

Conditions:
Norman-Roberts syndrome (LIS2). Also called: Lissencephaly 2 (Norman-Roberts type). Identifiers: Orphanet 89844, MedGen C0796089, MONDO:0009760, OMIM 257320.
Familial temporal lobe epilepsy 7. Identifiers: Orphanet 101046, MedGen C4225327, MONDO:0014639, OMIM 616436.

Allele frequency attached by ClinVar (database versions not stated): TOPMed 0.00002; ESP Exome Variant Server 0.00015.
gnomAD v4.1: 8 of 1,596,882 alleles (0.0005%); highest among the groups gnomAD compares: African/African-American, 0.0054%; no homozygotes.

Submissions (2):

Labcorp Genetics (formerly Invitae), Labcorp
Classification: Likely benign for Familial temporal lobe epilepsy 7; Norman-Roberts syndrome. Last evaluated: 2025-03-30. Review status: criteria provided, single submitter. Criteria: Invitae Variant Classification Sherloc (09022015). Collection method: clinical testing. Allele origin: germline.

Women's Health and Genetics/Laboratory Corporation of America, LabCorp
Classification: Uncertain significance. Last evaluated: 2024-03-08. Review status: criteria provided, single submitter. Criteria: LabCorp Variant Classification Summary - May 2015. Collection method: clinical testing. Allele origin: germline.
Comment: Variant summary: RELN c.9439G>A (p.Ala3147Thr) results in a non-conservative amino acid change in the encoded protein sequence. Two of four in-silico tools predict a benign effect of the variant on protein function. The variant allele was found at a frequency of 1.2e-05 in 249848 control chromosomes. The available data on variant occurrences in the general population are insufficient to allow any conclusion about variant significance. To our knowledge, no occurrence of c.9439G>A in individuals affected with Epilepsy Familial Temporal Lobe 7 and no experimental evidence demonstrating its impact on protein function have been reported. ClinVar contains an entry for this variant (Variation ID: 998444). Based on the evidence outlined above, the variant was classified as uncertain significance.

NM_005045.4(RELN):c.9439G>A (p.Ala3147Thr)

Genes: RELN (reelin; minus strand), SLC26A5-AS1 (SLC26A5 antisense RNA 1; plus strand). Cytogenetic location: 7q22.1.
Variant type: single nucleotide variant.
Coding change: c.9439G>A on transcript NM_005045.4 (MANE Select); coding-DNA position 9439, G replaced by A.
Protein change: p.Ala3147Thr; replaces alanine 3147 with threonine.
Molecular consequence: missense variant.
Genome position (GRCh38, 1-based): chr7:103,491,957, C>T on the plus strand (G>A on the coding strand, the complement: RELN is on the minus strand). VCF-style: chr7-103491957-C-T. GRCh37 (hg19) VCF-style: chr7-103132404-C-T.
Other names: c.9439G>A, p.Ala3147Thr (NM_173054.3); short protein forms A3147T.
Identifiers: ClinVar variation 998444 (VCV000998444.10), dbSNP rs150485168, ClinGen allele CA4420226.